The following is an entry in ClinVar:

ClinVar aggregate classification (germline): Uncertain significance (1 of 4 stars; one submission).

Conditions:
Megaconial type congenital muscular dystrophy (MDCMC). Also called: CHKB-Related Muscular Dystrophy; MUSCULAR DYSTROPHY, CONGENITAL, WITH MITOCHONDRIAL STRUCTURAL ABNORMALITIES; CHKB-Related Muscle Diseases. Identifiers: Orphanet 280671, MedGen C1865233, MONDO:0011246, OMIM 602541.

Allele frequency attached by ClinVar (database versions not stated): gnomAD exomes below 0.00001.
gnomAD v4.1: 1 of 1,614,062 alleles (0.000062%); highest among the groups gnomAD compares: Non-Finnish European, 0.000085%; no homozygotes.

Submission:

Labcorp Genetics (formerly Invitae), Labcorp
Classification: Uncertain significance for Megaconial type congenital muscular dystrophy. Last evaluated: 2020-03-02. Review status: criteria provided, single submitter. Criteria: Invitae Variant Classification Sherloc (09022015). Collection method: clinical testing. Allele origin: germline.
Comment: This sequence change replaces phenylalanine with leucine at codon 238 of the CHKB protein (p.Phe238Leu). The phenylalanine residue is highly conserved and there is a small physicochemical difference between phenylalanine and leucine. This variant is not present in population databases (ExAC no frequency). In summary, the available evidence is currently insufficient to determine the role of this variant in disease. Therefore, it has been classified as a Variant of Uncertain Significance. Algorithms developed to predict the effect of missense changes on protein structure and function are either unavailable or do not agree on the potential impact of this missense change (SIFT: "Deleterious"; PolyPhen-2: "Probably Damaging"; Align-GVGD: "Class C15"). This variant has not been reported in the literature in individuals with CHKB-related conditions.

NM_005198.5(CHKB):c.714C>G (p.Phe238Leu)

Genes: CHKB (choline kinase beta; minus strand), CHKB-CPT1B (CHKB-CPT1B readthrough (NMD candidate); minus strand). Cytogenetic location: 22q13.33.
Variant type: single nucleotide variant.
Coding change: c.714C>G on transcript NM_005198.5 (MANE Select); coding-DNA position 714, C replaced by G.
Protein change: p.Phe238Leu; replaces phenylalanine 238 with leucine.
Molecular consequence: missense variant. On other transcripts: non-coding transcript variant (1).
Genome position (GRCh38, 1-based): chr22:50,580,380, G>C on the plus strand (C>G on the coding strand, the complement: CHKB is on the minus strand). VCF-style: chr22-50580380-G-C. GRCh37 (hg19) VCF-style: chr22-51018809-G-C.
Other names: short protein forms F238L.
Identifiers: ClinVar variation 1008592 (VCV001008592.8), dbSNP rs2070662071, ClinGen allele CA412198984.